The following is an entry in ClinVar:

ClinVar aggregate classification (germline): Uncertain significance (1 of 4 stars; one submission).

Conditions:
Hereditary diffuse gastric adenocarcinoma (HDGC). Also called: DIFFUSE GASTRIC AND LOBULAR BREAST CANCER SYNDROME. Identifiers: Orphanet 26106, MedGen C1708349, MONDO:0007648, OMIM 137215.

Submission:

Labcorp Genetics (formerly Invitae), Labcorp
Classification: Uncertain significance for Hereditary diffuse gastric adenocarcinoma. Last evaluated: 2024-01-18. Review status: criteria provided, single submitter. Criteria: Invitae Variant Classification Sherloc (09022015). Collection method: clinical testing. Allele origin: germline.
Comment: This sequence change replaces leucine, which is neutral and non-polar, with proline, which is neutral and non-polar, at codon 230 of the CDH1 protein (p.Leu230Pro). This variant is not present in population databases (gnomAD no frequency). This variant has not been reported in the literature in individuals affected with CDH1-related conditions. An algorithm developed to predict the effect of missense changes on protein structure and function (PolyPhen-2) suggests that this variant is likely to be disruptive. In summary, the available evidence is currently insufficient to determine the role of this variant in disease. Therefore, it has been classified as a Variant of Uncertain Significance.

NM_004360.5(CDH1):c.689T>C (p.Leu230Pro)

Gene: CDH1 (cadherin 1; plus strand). Cytogenetic location: 16q22.1.
Variant type: single nucleotide variant.
Coding change: c.689T>C on transcript NM_004360.5 (MANE Select); coding-DNA position 689, T replaced by C.
Protein change: p.Leu230Pro; replaces leucine 230 with proline.
Molecular consequence: missense variant. On other transcripts: 5 prime UTR variant (2).
Genome position (GRCh38, 1-based): chr16:68,810,198, T>C. VCF-style: chr16-68810198-T-C. GRCh37 (hg19) VCF-style: chr16-68844101-T-C.
Other names: c.689T>C, p.Leu230Pro (NM_001317184.2); c.-927T>C (NM_001317185.2); c.-1131T>C (NM_001317186.2); short protein forms L230P.
Identifiers: ClinVar variation 2709510 (VCV002709510.3), dbSNP rs2152130987, ClinGen allele CA396458359.
Genomic context (GRCh38, chr16:68,810,198, plus strand): 5'-CCTTCTCCCATGTTTTCTTCCTCATCAGAGCTCAAGTCACCCTCACTTGGTTCTTTCAGC[T>C]CTTCTCTCACGCTGTGTCATCCAACGGGAATGCAGTTGAGGATCCAATGGAGATTTTGAT-3'
Protein context (NP_004351.1, residues 220-240): LDRERIATYT[Leu230Pro]FSHAVSSNGN